The following is an entry in ClinVar:

NM_000209.4(PDX1):c.217C>G (p.Leu73Val)

Gene: PDX1 (pancreatic and duodenal homeobox 1; plus strand). Cytogenetic location: 13q12.2.
Variant type: single nucleotide variant.
Coding change: c.217C>G on transcript NM_000209.4 (MANE Select); coding-DNA position 217, C replaced by G.
Protein change: p.Leu73Val; replaces leucine 73 with valine.
Molecular consequence: missense variant.
Genome position (GRCh38, 1-based): chr13:27,920,355, C>G. VCF-style: chr13-27920355-C-G. GRCh37 (hg19) VCF-style: chr13-28494492-C-G.
Other names: short protein forms L73V.
Identifiers: ClinVar variation 2977668 (VCV002977668.3), dbSNP rs1440389073, ClinGen allele CA387644478.
Genomic context (GRCh38, chr13:27,920,355, plus strand): 5'-GCCCTGGGCGCGCTGGAGCAGGGCAGCCCCCCGGACATCTCCCCGTACGAGGTGCCCCCC[C>G]TCGCCGACGACCCCGCGGTGGCGCACCTTCACCACCACCTCCCGGCTCAGCTCGCGCTCC-3'
Protein context (NP_000200.1, residues 63-83): PDISPYEVPP[Leu73Val]ADDPAVAHLH

ClinVar aggregate classification (germline): Uncertain significance (1 of 4 stars; one submission).

Allele frequency attached by ClinVar (database versions not stated): gnomAD 0.00001.
gnomAD v4.1: 5 of 1,543,638 alleles (0.00032%); highest among the groups gnomAD compares: Admixed American, 0.002%; no homozygotes.

Submission:

Labcorp Genetics (formerly Invitae), Labcorp
Classification: Uncertain significance. Last evaluated: 2024-03-01. Review status: criteria provided, single submitter. Criteria: Invitae Variant Classification Sherloc (09022015). Collection method: clinical testing. Allele origin: germline.
Comment: This sequence change replaces leucine, which is neutral and non-polar, with valine, which is neutral and non-polar, at codon 73 of the PDX1 protein (p.Leu73Val). This variant is not present in population databases (gnomAD no frequency). This variant has not been reported in the literature in individuals affected with PDX1-related conditions. Advanced modeling of protein sequence and biophysical properties (such as structural, functional, and spatial information, amino acid conservation, physicochemical variation, residue mobility, and thermodynamic stability) performed at Invitae indicates that this missense variant is not expected to disrupt PDX1 protein function with a negative predictive value of 80%. In summary, the available evidence is currently insufficient to determine the role of this variant in disease. Therefore, it has been classified as a Variant of Uncertain Significance.